The following is an entry in ClinVar:

NM_001008212.2(OPTN):c.226A>G (p.Thr76Ala)

Genes: OPTN (optineurin; plus strand), LOC108903148 (10p13 OPTN distal Alu-mediated recombination region; plus strand). Cytogenetic location: 10p13.
Variant type: single nucleotide variant.
Coding change: c.226A>G on transcript NM_001008212.2 (MANE Select); coding-DNA position 226, A replaced by G.
Protein change: p.Thr76Ala; replaces threonine 76 with alanine.
Molecular consequence: missense variant.
Genome position (GRCh38, 1-based): chr10:13,110,333, A>G. VCF-style: chr10-13110333-A-G. GRCh37 (hg19) VCF-style: chr10-13152333-A-G.
Other names: c.226A>G, p.Thr76Ala (NM_001008211.1, NM_001008213.1, NM_021980.4); short protein forms T76A.
Identifiers: ClinVar variation 1718786 (VCV001718786.6), dbSNP rs757528160, ClinGen allele CA5410544.

ClinVar aggregate classification (germline): Uncertain significance (1 of 4 stars; one submission).

Conditions:
Amyotrophic lateral sclerosis type 12 (ALS12). Also called: AMYOTROPHIC LATERAL SCLEROSIS 12 WITH OR WITHOUT FRONTOTEMPORAL DEMENTIA. Identifiers: Orphanet 803, MedGen C3150692, MONDO:0013264, OMIM 613435.
Glaucoma 1, open angle, E. Identifiers: MedGen C1842026, MONDO:0007665.
Primary open angle glaucoma (POAG). Also called: OPTN-related open angle glaucoma. Identifiers: MedGen C0339573, MONDO:0100553, OMIM 137760.

Allele frequency attached by ClinVar (database versions not stated): ExAC 0.00001.
gnomAD v4.1: 1 of 1,614,162 alleles (0.000062%); no homozygotes.

Submission:

Labcorp Genetics (formerly Invitae), Labcorp
Classification: Uncertain significance for Primary open angle glaucoma; Glaucoma 1, open angle, E; Amyotrophic lateral sclerosis type 12. Last evaluated: 2022-09-03. Review status: criteria provided, single submitter. Criteria: Invitae Variant Classification Sherloc (09022015). Collection method: clinical testing. Allele origin: germline.
Comment: In summary, the available evidence is currently insufficient to determine the role of this variant in disease. Therefore, it has been classified as a Variant of Uncertain Significance. Algorithms developed to predict the effect of missense changes on protein structure and function output the following: SIFT: "Tolerated"; PolyPhen-2: "Benign"; Align-GVGD: "Class C0". The alanine amino acid residue is found in multiple mammalian species, which suggests that this missense change does not adversely affect protein function. This variant has not been reported in the literature in individuals affected with OPTN-related conditions. This variant is present in population databases (rs757528160, gnomAD 0.01%). This sequence change replaces threonine, which is neutral and polar, with alanine, which is neutral and non-polar, at codon 76 of the OPTN protein (p.Thr76Ala).